The following is an entry in ClinVar:

NM_025074.7(FRAS1):c.7301C>T (p.Pro2434Leu)

Gene: FRAS1 (Fraser extracellular matrix complex subunit 1; plus strand). Cytogenetic location: 4q21.21.
Variant type: single nucleotide variant.
Coding change: c.7301C>T on transcript NM_025074.7 (MANE Select); coding-DNA position 7301, C replaced by T.
Protein change: p.Pro2434Leu; replaces proline 2434 with leucine.
Molecular consequence: missense variant.
Genome position (GRCh38, 1-based): chr4:78,470,021, C>T. VCF-style: chr4-78470021-C-T. GRCh37 (hg19) VCF-style: chr4-79391175-C-T.
Other names: short protein forms P2434L.
Identifiers: ClinVar variation 1923505 (VCV001923505.4), dbSNP rs566641641, ClinGen allele CA2978053.

ClinVar aggregate classification (germline): Uncertain significance. Review status: criteria provided, multiple submitters, no conflicts (2 of 4 stars). 3 submissions from 3 submitters: Uncertain significance (3). Last evaluated 2024-05-07.

Conditions:
Inborn genetic diseases. Identifiers: MedGen C0950123, MeSH D030342.
Fraser syndrome 1 (FRASRS1). Also called: CRYPTOPHTHALMOS WITH OTHER MALFORMATIONS. Identifiers: Orphanet 2052, MedGen C4551480, MONDO:0054737, OMIM 219000.

Allele frequency attached by ClinVar (database versions not stated): TOPMed 0.00002; ExAC 0.00003; gnomAD exomes 0.00003; gnomAD 0.00005; 1000 Genomes Project 30x 0.00016; 1000 Genomes Project 0.00020.
gnomAD v4.1: 53 of 1,613,730 alleles (0.0033%); highest among the groups gnomAD compares: East Asian, 0.025%; no homozygotes.

Submissions (3):

Fulgent Genetics
Classification: Uncertain significance for Fraser syndrome 1. Last evaluated: 2024-05-07. Review status: criteria provided, single submitter. Criteria: ACMG Guidelines, 2015. Collection method: clinical testing. Allele origin: germline.

Labcorp Genetics (formerly Invitae), Labcorp
Classification: Uncertain significance. Last evaluated: 2022-09-28. Review status: criteria provided, single submitter. Criteria: Invitae Variant Classification Sherloc (09022015). Collection method: clinical testing. Allele origin: germline.
Comment: This sequence change replaces proline, which is neutral and non-polar, with leucine, which is neutral and non-polar, at codon 2434 of the FRAS1 protein (p.Pro2434Leu). This variant is present in population databases (rs566641641, gnomAD 0.008%). This variant has not been reported in the literature in individuals affected with FRAS1-related conditions. Advanced modeling of protein sequence and biophysical properties (such as structural, functional, and spatial information, amino acid conservation, physicochemical variation, residue mobility, and thermodynamic stability) performed at Invitae indicates that this missense variant is not expected to disrupt FRAS1 protein function. In summary, the available evidence is currently insufficient to determine the role of this variant in disease. Therefore, it has been classified as a Variant of Uncertain Significance.

Ambry Genetics
Classification: Uncertain significance for Inborn genetic diseases. Last evaluated: 2021-07-14. Review status: criteria provided, single submitter. Criteria: Ambry Variant Classification Scheme 2023. Collection method: clinical testing. Allele origin: germline.